The following is an entry in ClinVar:

NM_002691.4(POLD1):c.208G>T (p.Val70Phe)

Gene: POLD1 (DNA polymerase delta 1, catalytic subunit; plus strand). Cytogenetic location: 19q13.33.
Variant type: single nucleotide variant.
Coding change: c.208G>T on transcript NM_002691.4 (MANE Select); coding-DNA position 208, G replaced by T.
Protein change: p.Val70Phe; replaces valine 70 with phenylalanine.
Molecular consequence: missense variant. On other transcripts: non-coding transcript variant (1).
Genome position (GRCh38, 1-based): chr19:50,399,376, G>T. VCF-style: chr19-50399376-G-T. GRCh37 (hg19) VCF-style: chr19-50902633-G-T.
Other names: c.208G>T, p.Val70Phe (NM_001256849.1, NM_001308632.1); short protein forms V70F.
Identifiers: ClinVar variation 225288 (VCV000225288.67), dbSNP rs147911699, ClinGen allele CA358335.

ClinVar aggregate classification (germline): Conflicting classifications of pathogenicity. Review status: criteria provided, conflicting classifications (1 of 4 stars). 20 submissions from 20 submitters: Uncertain significance (8); Benign (2); Likely benign (7). 3 of the submissions do not count toward it. Last evaluated 2026-06-05.

Conditions:
Immunodeficiency 120. Identifiers: MedGen C5935622, MONDO:0970994, OMIM 620836.
Mandibular hypoplasia-deafness-progeroid syndrome. Also called: Mandibular hypoplasia, deafness, progeroid features, and lipodystrophy syndrome. Identifiers: Orphanet 363649, MedGen C3715192, MONDO:0014157, OMIM 615381.
POLD1-related polyposis and colorectal cancer syndrome (CRCS10). Also called: Colorectal cancer 10; Colorectal cancer, susceptibility to, 10; COLORECTAL CANCER, SUSCEPTIBILITY TO, ON CHROMOSOME 19q. Identifiers: Orphanet 220460, MedGen C2675481, MONDO:0012953, OMIM 612591.
POLD1-related disorder. Also called: POLD1-related disorders; POLD1-related condition.
Inherited polyposis and early onset colorectal cancer - germline testing.
Hereditary cancer-predisposing syndrome. Also called: Neoplastic Syndromes, Hereditary; Hereditary Cancer Syndrome; Tumor predisposition; Hereditary neoplastic syndrome. Identifiers: Orphanet 140162, MedGen C0027672, MeSH D009386, MONDO:0015356.
Carcinoma of colon (CRC). Also called: Colonic carcinoma; Colon carcinoma. Identifiers: MedGen C0699790, MONDO:0002032.

Allele frequency attached by ClinVar (database versions not stated): 1000 Genomes Project 0.00040; TOPMed 0.00042; 1000 Genomes Project 30x 0.00047.
gnomAD v4.1: 1,430 of 1,612,884 alleles (0.089%); highest among the groups gnomAD compares: Non-Finnish European, 0.12%; 1 homozygote.

Submissions (20):

Cambridge Genomics Laboratory, East Genomic Laboratory Hub, NHS Genomic Medicine Service
Classification: Uncertain significance for Inherited polyposis and early onset colorectal cancer - germline testing. Last evaluated: 2026-06-05. Review status: criteria provided, single submitter. Criteria: ACGS Best Practice Guidelines for Variant Classification in Rare Disease 2020. Collection method: clinical testing. Allele origin: germline. Affected: yes.

Women's Health and Genetics/Laboratory Corporation of America, LabCorp
Classification: Likely benign. Last evaluated: 2026-04-28. Review status: criteria provided, single submitter. Criteria: LabCorp Variant Classification Summary - May 2015. Collection method: clinical testing. Allele origin: germline.
Comment: Variant summary: POLD1 c.208G>T (p.Val70Phe) results in a non-conservative amino acid change in the encoded protein sequence. Algorithms developed to predict the effect of missense changes on protein structure and function are either unavailable or do not agree on the potential impact of this missense change. The variant allele was found at a frequency of 0.0003 in 251112 control chromosomes. The observed variant frequency exceeds the estimated maximal expected allele frequency for disease-causing variants in POLD1. c.208G>T has been observed in individual(s) affected with Colorectal Cancer (Ghazani_2017, Bhai_2021). These report(s) do not provide unequivocal conclusions about association of the variant with Colorectal Cancer. To our knowledge, no experimental evidence demonstrating an impact on protein function has been reported. The following publications have been ascertained in the context of this evaluation (PMID: 34326862, 28125075). ClinVar contains an entry for this variant (Variation ID: 225288). Based on the evidence outlined above, the variant was classified as likely benign.

Dasa
Classification: Likely benign. Last evaluated: 2026-03-25. Review status: criteria provided, single submitter. Criteria: DASA Assertion Criteria. Collection method: clinical testing. Allele origin: germline.
Comment: NM_002691.4(POLD1):c.208G>T (p.Val70Phe) is a missense variant that results in the substitution of valine with phenylalanine. Multiple computational predictions suggest no deleterious effect on the gene or gene product. Based on the available data, this variant is classified as likely benign.

St. Jude Molecular Pathology, St. Jude Children's Research Hospital
Classification: Uncertain significance for POLD1-related polyposis and colorectal cancer syndrome. Last evaluated: 2026-02-20. Review status: criteria provided, single submitter. Criteria: St. Jude Assertion Criteria 2020. Collection method: clinical testing. Allele origin: germline.
Comment: The POLD1 c.208G>T p.(Val70Phe) missense change has a maximum su bpopulation frequency of 0.062% in gnomAD v2.1.1. The in silico tool REVEL predicts a benign effect on protein function, but to our knowledge this prediction has not been confirmed by functional studies. To our knowle dge, this variant has not been reported in the literature in individuals with POLD1-related disease. In summary, the evidence currently available is insufficient to determine the clinical significance of this variant. It has therefore been classified as of uncertain significance.

Labcorp Genetics (formerly Invitae), Labcorp
Classification: Likely benign for POLD1-related polyposis and colorectal cancer syndrome. Last evaluated: 2026-02-04. Review status: criteria provided, single submitter. Criteria: Invitae Variant Classification Sherloc (09022015). Collection method: clinical testing. Allele origin: germline.

Center for Genomic Medicine, Rigshospitalet, Copenhagen University Hospital
Classification: Uncertain significance. Last evaluated: 2025-12-29. Review status: criteria provided, single submitter. Criteria: ACMG Guidelines, 2015. Collection method: clinical testing. Allele origin: germline.

Mendelics
Classification: Likely benign for POLD1-related polyposis and colorectal cancer syndrome. Last evaluated: 2025-06-23. Review status: criteria provided, single submitter. Criteria: ACMG Guidelines, 2015. Collection method: clinical testing. Allele origin: unknown.
Comment: This variant is considered likely benign or benign based on one or more of the following: it is predicted to be benign by multiple in silico algorithms, and/or has population frequency not consistent with disease, and/or has normal protein function, and/or has lack of segregation with disease, and/or has been detected in co-occurrence with known pathogenic variant, and/or has lack of disease association in case-control studies, and/or is located in a region inconsistent with a known cause of pathogenicity.

Department of Pathology and Laboratory Medicine, Sinai Health System
Classification: Uncertain significance for POLD1-related polyposis and colorectal cancer syndrome; Mandibular hypoplasia-deafness-progeroid syndrome; Immunodeficiency 120. Last evaluated: 2024-09-09. Review status: criteria provided, single submitter. Criteria: ACMG Guidelines, 2015. Collection method: clinical testing. Allele origin: germline.

Mayo Clinic Laboratories, Mayo Clinic
Classification: Uncertain significance. Last evaluated: 2024-08-13. Review status: criteria provided, single submitter. Criteria: ACMG Guidelines, 2015. Collection method: clinical testing. Allele origin: germline. Observed: 3 variant alleles.
Comment: BP4

Ambry Genetics
Classification: Benign for Hereditary cancer-predisposing syndrome. Last evaluated: 2024-02-28. Review status: criteria provided, single submitter. Criteria: Ambry Variant Classification Scheme 2023. Collection method: clinical testing. Allele origin: germline.

CeGaT Center for Human Genetics Tuebingen
Classification: Likely benign. Last evaluated: 2024-01-01. Review status: criteria provided, single submitter. Criteria: CeGaT Center For Human Genetics Tuebingen Variant Classification Criteria Version 2. Collection method: clinical testing. Allele origin: germline. Affected: yes. Observed: 1 variant allele.
Comment: POLD1: BP4, BS1

Genetic Services Laboratory, University of Chicago
Classification: Likely benign. Last evaluated: 2021-06-21. Review status: criteria provided, single submitter. Criteria: ACMG Guidelines, 2015. Collection method: clinical testing. Allele origin: germline. Affected: no.
Comment: DNA sequence analysis of the POLD1 gene demonstrated a sequence change, c.208G>T, in exon 3 that results in an amino acid change, p.Val70Phe. This sequence change has been described in the gnomAD database with a frequency of 0.062% in the European sub-population (dbSNP rs147911699). The p.Val70Phe change has been identified in an individual with colon cancer (PMID: 28125075). The p.Val70Phe change affects a poorly conserved amino acid residue located in a domain of the POLD1 protein that is not known to be functional. The p.Val70Phe substitution appears to be benign using several in-silico pathogenicity prediction tools (SIFT, PolyPhen2, Align GVGD, REVEL). Due to these contrasting evidences and the lack of functional studies, the clinical significance of the p.Val70Phe change remains unknown at this time.

GeneDx
Classification: Likely benign. Last evaluated: 2021-01-26. Review status: criteria provided, single submitter. Criteria: GeneDx Variant Classification Process June 2021. Collection method: clinical testing. Allele origin: germline. Affected: yes.
Comment: In silico analysis supports that this missense variant does not alter protein structure/function; Observed in individuals with colorectal cancer (Ghazani 2017); This variant is associated with the following publications: (PMID: 28125075)

Quest Diagnostics Nichols Institute San Juan Capistrano
Classification: Benign. Last evaluated: 2020-04-06. Review status: criteria provided, single submitter. Criteria: Quest Diagnostics criteria. Collection method: clinical testing. Allele origin: unknown.

ARUP Laboratories, Molecular Genetics and Genomics, ARUP Laboratories
Classification: Uncertain significance. Last evaluated: 2020-04-03. Review status: criteria provided, single submitter. Criteria: ARUP Molecular Germline Variant Investigation Process. Collection method: clinical testing. Allele origin: germline.
Comment: The POLD1 c.208G>T; p.Val70Phe variant (rs147911699) is reported in the literature in an individual with colon cancer (Ghazani 2017). This variant is also reported in ClinVar (Variation ID: 225288). It is found in the general population with an overall allele frequency of 0.03% (89/282506 alleles) in the Genome Aggregation Database. The valine at codon 70 is weakly conserved, and computational analyses (SIFT, PolyPhen-2) predict that this variant is tolerated. However, due to limited information, the clinical significance of this variant is uncertain at this time. REFERENCES Ghazani AA et al. Assigning clinical meaning to somatic and germ-line whole-exome sequencing data in a prospective cancer precision medicine study. Genet Med. 2017 Jul;19(7):787-795.

Fulgent Genetics
Classification: Uncertain significance for POLD1-related polyposis and colorectal cancer syndrome; Mandibular hypoplasia-deafness-progeroid syndrome. Last evaluated: 2018-10-31. Review status: criteria provided, single submitter. Criteria: ACMG Guidelines, 2015. Collection method: clinical testing. Allele origin: unknown.

CSER _CC_NCGL, University of Washington
Classification: Uncertain significance for Colorectal cancer. Last evaluated: 2016-01-01. Review status: criteria provided, single submitter. Criteria: Amendola et al. (Genome Res. 2015). Collection method: research. Allele origin: germline. Inheritance: Autosomal dominant inheritance. Study: CSER - NEXT Medicine variant annotation.
Comment: Variant is not in exonuclease domain. .GERP=-4.78.ExAC Alt Allele Frequencies=AFR:0.029%,NFE:0.041%,EAS:0.0%,SAS:0.0%,FIN:0.0%,AMR:0.017%,OTH:0.0%.

PreventionGenetics, part of Exact Sciences
Classification: Likely benign for POLD1-related condition. Last evaluated: 2023-05-04. Review status: no assertion criteria provided. Collection method: clinical testing. Allele origin: germline. Not counted in ClinVar's aggregate classification.
Comment: This variant is classified as likely benign based on ACMG/AMP sequence variant interpretation guidelines (Richards et al. 2015 PMID: 25741868, with internal and published modifications).

True Health Diagnostics
Classification: Uncertain significance for Hereditary cancer-predisposing syndrome. Last evaluated: 2018-04-09. Review status: no assertion criteria provided. Collection method: clinical testing. Allele origin: germline. Not counted in ClinVar's aggregate classification.

Counsyl
Classification: Uncertain significance for POLD1-related polyposis and colorectal cancer syndrome. Last evaluated: 2016-08-11. Review status: no assertion criteria provided. Collection method: clinical testing. Allele origin: unknown. Not counted in ClinVar's aggregate classification.

Literature cited by the submitters: PubMed 28125075 (cited by 4 submitters); PubMed 34326862 (cited by Women's Health and Genetics/Laboratory Corporation of America, LabCorp).